The following is an entry in ClinVar:

ClinVar aggregate classification (germline): Uncertain significance (1 of 4 stars; one submission).

Conditions:
Peroxisome biogenesis disorder. Identifiers: Orphanet 79189, MedGen C1832200, MONDO:0019234. Disease mechanism: loss of function.

Allele frequency attached by ClinVar (database versions not stated): TOPMed below 0.00001; gnomAD 0.00001; gnomAD exomes 0.00001.

Submission:

Labcorp Genetics (formerly Invitae), Labcorp
Classification: Uncertain significance for Peroxisome biogenesis disorder. Last evaluated: 2021-11-14. Review status: criteria provided, single submitter. Criteria: Invitae Variant Classification Sherloc (09022015). Collection method: clinical testing. Allele origin: germline.
Comment: This sequence change replaces leucine, which is neutral and non-polar, with proline, which is neutral and non-polar, at codon 898 of the PEX6 protein (p.Leu898Pro). This variant is not present in population databases (gnomAD no frequency). This variant has not been reported in the literature in individuals affected with PEX6-related conditions. Algorithms developed to predict the effect of missense changes on protein structure and function (SIFT, PolyPhen-2, Align-GVGD) all suggest that this variant is likely to be disruptive. In summary, the available evidence is currently insufficient to determine the role of this variant in disease. Therefore, it has been classified as a Variant of Uncertain Significance.

NM_000287.4(PEX6):c.2693T>C (p.Leu898Pro)

Gene: PEX6 (peroxisomal biogenesis factor 6; minus strand). Cytogenetic location: 6p21.1.
Variant type: single nucleotide variant.
Coding change: c.2693T>C on transcript NM_000287.4 (MANE Select); coding-DNA position 2693, T replaced by C.
Protein change: p.Leu898Pro; replaces leucine 898 with proline.
Molecular consequence: missense variant. On other transcripts: non-coding transcript variant (1).
Genome position (GRCh38, 1-based): chr6:42,964,903, A>G on the plus strand (T>C on the coding strand, the complement: PEX6 is on the minus strand). VCF-style: chr6-42964903-A-G. GRCh37 (hg19) VCF-style: chr6-42932641-A-G.
Other names: c.2429T>C, p.Leu810Pro (NM_001316313.2); short protein forms L810P, L898P.
Identifiers: ClinVar variation 1363401 (VCV001363401.3), dbSNP rs1769689393, ClinGen allele CA364150458.